The following is an entry in ClinVar:

NM_000135.4(FANCA):c.105T>C (p.Tyr35=)

Gene: FANCA (FA complementation group A; minus strand). Cytogenetic location: 16q24.3.
Variant type: single nucleotide variant.
Coding change: c.105T>C on transcript NM_000135.4 (MANE Select); coding-DNA position 105, T replaced by C.
Protein change: p.Tyr35=; no amino-acid change (tyrosine 35 retained).
Molecular consequence: synonymous variant.
Genome position (GRCh38, 1-based): chr16:89,815,961, A>G on the plus strand (T>C on the coding strand, the complement: FANCA is on the minus strand). VCF-style: chr16-89815961-A-G. GRCh37 (hg19) VCF-style: chr16-89882369-A-G.
Other names: c.105T>C, p.Tyr35= (NM_001018112.3, NM_001286167.3, NM_001351830.2); c.105T>C (NM_000135.3).
Identifiers: ClinVar variation 706534 (VCV000706534.10), dbSNP rs747928827, ClinGen allele CA8253172.

ClinVar aggregate classification (germline): Likely benign. Review status: criteria provided, multiple submitters, no conflicts (2 of 4 stars). 3 submissions from 3 submitters: Likely benign (2). 1 of the submissions does not count toward it. Last evaluated 2026-01-21.

Conditions:
Fanconi anemia (FA). Also called: Fanconi's anemia. Identifiers: Orphanet 84, MedGen C0015625, MeSH D005199, MONDO:0019391.
FANCA-related disorder. Also called: FANCA-related condition.

Allele frequency attached by ClinVar (database versions not stated): gnomAD exomes 0.00001 and 0.00003; ExAC 0.00002; TOPMed 0.00007; gnomAD 0.00010 and 0.00011; 1000 Genomes Project 30x 0.00016.
gnomAD v4.1: 29 of 1,614,052 alleles (0.0018%); highest among the groups gnomAD compares: African/African-American, 0.029%; no homozygotes.

Submissions (3):

Labcorp Genetics (formerly Invitae), Labcorp
Classification: Likely benign for Fanconi anemia. Last evaluated: 2026-01-21. Review status: criteria provided, single submitter. Criteria: Invitae Variant Classification Sherloc (09022015). Collection method: clinical testing. Allele origin: germline.

Quest Diagnostics Nichols Institute San Juan Capistrano
Classification: Likely benign. Last evaluated: 2022-11-25. Review status: criteria provided, single submitter. Criteria: Quest Diagnostics criteria. Collection method: clinical testing. Allele origin: unknown.

PreventionGenetics, part of Exact Sciences
Classification: Likely benign for FANCA-related condition. Last evaluated: 2019-12-26. Review status: no assertion criteria provided. Collection method: clinical testing. Allele origin: germline. Not counted in ClinVar's aggregate classification.
Comment: This variant is classified as likely benign based on ACMG/AMP sequence variant interpretation guidelines (Richards et al. 2015 PMID: 25741868, with internal and published modifications).